The following is an entry in ClinVar:

NM_033656.4(BRWD1):c.3561C>A (p.Gly1187=)

Gene: BRWD1 (bromodomain and WD repeat domain containing 1; minus strand). Cytogenetic location: 21q22.2.
Variant type: single nucleotide variant.
Coding change: c.3561C>A on transcript NM_033656.4 (MANE Select); coding-DNA position 3561, C replaced by A.
Protein change: p.Gly1187=; no amino-acid change (glycine 1187 retained).
Molecular consequence: synonymous variant.
Genome position (GRCh38, 1-based): chr21:39,218,250, G>T on the plus strand (C>A on the coding strand, the complement: BRWD1 is on the minus strand). VCF-style: chr21-39218250-G-T. GRCh37 (hg19) VCF-style: chr21-40590176-G-T.
Other names: c.3561C>A, p.Gly1187= (NM_018963.5).
Identifiers: ClinVar variation 3038025 (VCV003038025.2), dbSNP rs76171323, ClinGen allele CA10026929.

ClinVar aggregate classification (germline): Benign (0 of 4 stars; one submission).

Conditions:
BRWD1-related disorder. Also called: BRWD1-related condition.

Allele frequency attached by ClinVar (database versions not stated): gnomAD exomes 0.00130; ExAC 0.00419; gnomAD 0.01246; TOPMed 0.01391; ESP Exome Variant Server 0.01407; 1000 Genomes Project 0.01498; 1000 Genomes Project 30x 0.01499.
gnomAD v4.1: 3,881 of 1,608,760 alleles (0.24%); highest among the groups gnomAD compares: African/African-American, 4.4%; 73 homozygotes.

Submission:

PreventionGenetics, part of Exact Sciences
Classification: Benign for BRWD1-related condition. Last evaluated: 2019-03-08. Review status: no assertion criteria provided. Collection method: clinical testing. Allele origin: germline.
Comment: This variant is classified as benign based on ACMG/AMP sequence variant interpretation guidelines (Richards et al. 2015 PMID: 25741868, with internal and published modifications).